The following is an entry in ClinVar:

ClinVar aggregate classification (germline): Uncertain significance (1 of 4 stars; one submission).

Submission:

GeneDx
Classification: Uncertain significance. Last evaluated: 2025-02-12. Review status: criteria provided, single submitter. Criteria: GeneDx Variant Classification Process June 2021. Collection method: clinical testing. Allele origin: germline. Affected: yes.
Comment: Not observed at significant frequency in large population cohorts (gnomAD); In silico analysis supports that this missense variant has a deleterious effect on protein structure/function; Has not been previously published as pathogenic or benign to our knowledge

NM_001374353.1(GLI2):c.4645G>T (p.Gly1549Trp)

Gene: GLI2 (GLI family zinc finger 2; plus strand). Cytogenetic location: 2q14.2.
Variant type: single nucleotide variant.
Coding change: c.4645G>T on transcript NM_001374353.1 (MANE Select); coding-DNA position 4645, G replaced by T.
Protein change: p.Gly1549Trp; replaces glycine 1549 with tryptophan.
Molecular consequence: missense variant.
Genome position (GRCh38, 1-based): chr2:120,990,610, G>T. VCF-style: chr2-120990610-G-T. GRCh37 (hg19) VCF-style: chr2-121748186-G-T.
Other names: c.4696G>T, p.Gly1566Trp (NM_001371271.1, NM_005270.5); c.4270G>T, p.Gly1424Trp (NM_001374354.1); short protein forms G1424W, G1549W, G1566W.
Identifiers: ClinVar variation 4075660 (VCV004075660.1).